The following is an entry in ClinVar:

NM_021096.4(CACNA1I):c.1357G>T (p.Ala453Ser)

Gene: CACNA1I (calcium voltage-gated channel subunit alpha1 I; plus strand). Cytogenetic location: 22q13.1.
Variant type: single nucleotide variant.
Coding change: c.1357G>T on transcript NM_021096.4 (MANE Select); coding-DNA position 1357, G replaced by T.
Protein change: p.Ala453Ser; replaces alanine 453 with serine.
Molecular consequence: missense variant.
Genome position (GRCh38, 1-based): chr22:39,646,776, G>T. VCF-style: chr22-39646776-G-T. GRCh37 (hg19) VCF-style: chr22-40042781-G-T.
Other names: c.1357G>T, p.Ala453Ser (NM_001003406.2); short protein forms A453S.
Identifiers: ClinVar variation 4886205 (VCV004886205.2).

ClinVar aggregate classification (germline): Uncertain significance (1 of 4 stars; one submission).

gnomAD v4.1: 1 of 1,578,482 alleles (0.000063%); highest among the groups gnomAD compares: Non-Finnish European, 0.000086%; no homozygotes.

Submission:

Dasa
Classification: Uncertain significance. Last evaluated: 2025-07-28. Review status: criteria provided, single submitter. Criteria: DASA Assertion Criteria. Collection method: clinical testing. Allele origin: germline.
Comment: NM_021096.4(CACNA1I):c.1357G>T (p.Ala453Ser) is a missense variant that results in the substitution of alanine with serine. This variant is rare in population databases. Computational prediction algorithms are consistent with a benign effect. The currently available literature and clinical evidence are not sufficient to establish a definitive association between this variant and the reported condition. Therefore, this variant is classified as a variant of uncertain significance.